The following is an entry in ClinVar:

NM_006363.6(SEC23B):c.712A>G (p.Ile238Val)

Gene: SEC23B (SEC23 homolog B, COPII component; plus strand). Cytogenetic location: 20p11.23.
Variant type: single nucleotide variant.
Coding change: c.712A>G on transcript NM_006363.6 (MANE Select); coding-DNA position 712, A replaced by G.
Protein change: p.Ile238Val; replaces isoleucine 238 with valine.
Molecular consequence: missense variant.
Genome position (GRCh38, 1-based): chr20:18,525,810, A>G. VCF-style: chr20-18525810-A-G. GRCh37 (hg19) VCF-style: chr20-18506454-A-G.
Other names: c.712A>G, p.Ile238Val (NM_001172745.3, NM_032985.6, NM_032986.5); c.658A>G, p.Ile220Val (NM_001172746.3); short protein forms I238V, I220V.
Identifiers: ClinVar variation 2924733 (VCV002924733.3), dbSNP rs2060128412, ClinGen allele CA408359696.

ClinVar aggregate classification (germline): Uncertain significance (1 of 4 stars; one submission).

Conditions:
Congenital dyserythropoietic anemia, type II (CDAN2). Also called: DYSERYTHROPOIETIC ANEMIA, HEMPAS TYPE. Identifiers: Orphanet 98873, MedGen C1306589, MONDO:0009134, OMIM 224100.
Cowden syndrome 7 (CWS7). Identifiers: Orphanet 201, MedGen C4225179, MONDO:0014802, OMIM 616858.

Allele frequency attached by ClinVar (database versions not stated): gnomAD 0.00001.
gnomAD v4.1: 1 of 1,614,060 alleles (0.000062%); highest among the groups gnomAD compares: Admixed American, 0.0017%; no homozygotes.

Submission:

Labcorp Genetics (formerly Invitae), Labcorp
Classification: Uncertain significance for Congenital dyserythropoietic anemia, type II; Cowden syndrome 7. Last evaluated: 2023-12-26. Review status: criteria provided, single submitter. Criteria: Invitae Variant Classification Sherloc (09022015). Collection method: clinical testing. Allele origin: germline.
Comment: This sequence change replaces isoleucine, which is neutral and non-polar, with valine, which is neutral and non-polar, at codon 238 of the SEC23B protein (p.Ile238Val). This variant is not present in population databases (gnomAD no frequency). This variant has not been reported in the literature in individuals affected with SEC23B-related conditions. Advanced modeling of protein sequence and biophysical properties (such as structural, functional, and spatial information, amino acid conservation, physicochemical variation, residue mobility, and thermodynamic stability) performed at Invitae indicates that this missense variant is not expected to disrupt SEC23B protein function with a negative predictive value of 95%. In summary, the available evidence is currently insufficient to determine the role of this variant in disease. Therefore, it has been classified as a Variant of Uncertain Significance.